The following is an entry in ClinVar:

ClinVar aggregate classification (germline): Benign/Likely benign. Review status: criteria provided, multiple submitters, no conflicts (2 of 4 stars). 3 submissions from 3 submitters: Benign (2); Likely benign (1). Last evaluated 2025-01-01.

Allele frequency attached by ClinVar (database versions not stated): ESP Exome Variant Server 0.00015; gnomAD exomes 0.00024 and 0.00074; gnomAD 0.00051 and 0.00057; TOPMed 0.00061; ExAC 0.00088; 1000 Genomes Project 30x 0.00156; 1000 Genomes Project 0.00180.
gnomAD v4.1: 477 of 1,607,580 alleles (0.03%); highest among the groups gnomAD compares: East Asian, 0.76%; no homozygotes.

Submissions (3):

Labcorp Genetics (formerly Invitae), Labcorp
Classification: Benign. Last evaluated: 2025-01-01. Review status: criteria provided, single submitter. Criteria: Invitae Variant Classification Sherloc (09022015). Collection method: clinical testing. Allele origin: germline.

Mayo Clinic Laboratories, Mayo Clinic
Classification: Benign. Last evaluated: 2024-12-05. Review status: criteria provided, single submitter. Criteria: ACMG Guidelines, 2015. Collection method: clinical testing. Allele origin: germline. Observed: 1 variant allele.
Comment: BS1, BS2, BP4

Blueprint Genetics
Classification: Likely benign. Last evaluated: 2024-09-09. Review status: criteria provided, single submitter. Criteria: ACMG Guidelines, 2015. Collection method: clinical testing. Allele origin: germline.

NM_002608.4(PDGFB):c.35G>T (p.Cys12Phe)

Gene: PDGFB (platelet derived growth factor subunit B; minus strand). Cytogenetic location: 22q13.1.
Variant type: single nucleotide variant.
Coding change: c.35G>T on transcript NM_002608.4 (MANE Select); coding-DNA position 35, G replaced by T.
Protein change: p.Cys12Phe; replaces cysteine 12 with phenylalanine.
Molecular consequence: missense variant.
Genome position (GRCh38, 1-based): chr22:39,243,929, C>A on the plus strand (G>T on the coding strand, the complement: PDGFB is on the minus strand). VCF-style: chr22-39243929-C-A. GRCh37 (hg19) VCF-style: chr22-39639934-C-A.
Other names: p.Cys12Phe; short protein forms C12F.
Identifiers: ClinVar variation 717415 (VCV000717415.12), dbSNP rs201522786, ClinGen allele CA10240332.
Genomic context (GRCh38, chr22:39,243,929, plus strand): 5'-AAGAACCAGCCCCAGCCGCCGTGGCAACTCACCTCGGCGCTGACCAGACGCAGGTAGCAG[C>A]AGAGAGACAGGAAGAGCGCCCAGCAGCGATTCATGCCGACTCCGGGCCCGGCCCCGCGGG-3'
Protein context (NP_002599.1, residues 2-22): NRCWALFLSL[Cys12Phe]CYLRLVSAEG